The following is an entry in ClinVar:

NM_024009.3(GJB3):c.529T>G (p.Tyr177Asp)

Gene: GJB3 (gap junction protein beta 3; plus strand). Cytogenetic location: 1p34.3.
Variant type: single nucleotide variant.
Coding change: c.529T>G on transcript NM_024009.3 (MANE Select); coding-DNA position 529, T replaced by G.
Protein change: p.Tyr177Asp; replaces tyrosine 177 with aspartic acid.
Molecular consequence: missense variant.
Genome position (GRCh38, 1-based): chr1:34,785,291, T>G. VCF-style: chr1-34785291-T-G. GRCh37 (hg19) VCF-style: chr1-35250892-T-G.
Other names: c.529T>G, p.Tyr177Asp (NM_001005752.2); short protein forms Y177D.
Identifiers: ClinVar variation 178352 (VCV000178352.23), dbSNP rs80297119, ClinGen allele CA182160.

ClinVar aggregate classification (germline): Benign/Likely benign. Review status: criteria provided, multiple submitters, no conflicts (2 of 4 stars). 8 submissions from 8 submitters: Benign (4); Likely benign (4). Last evaluated 2026-01-18.

Conditions:
Erythrokeratodermia variabilis et progressiva 1 (EKVP1). Also called: ERYTHROKERATODERMIA VARIABILIS WITH ERYTHEMA GYRATUM REPENS; ERYTHROKERATODERMIA, PROGRESSIVE SYMMETRIC; ERYTHROKERATODERMIA FIGURATA, CONGENITAL FAMILIAL, IN PLAQUES. Identifiers: Orphanet 317, MedGen C4551486, MONDO:0033010, OMIM 133200.

Allele frequency attached by ClinVar (database versions not stated): 1000 Genomes Project 0.00499; 1000 Genomes Project 30x 0.00531; TOPMed 0.00581; gnomAD 0.00582; ESP Exome Variant Server 0.00630.

Submissions (8):

Labcorp Genetics (formerly Invitae), Labcorp
Classification: Benign. Last evaluated: 2026-01-18. Review status: criteria provided, single submitter. Criteria: Invitae Variant Classification Sherloc (09022015). Collection method: clinical testing. Allele origin: germline.

Blueprint Genetics
Classification: Likely benign. Last evaluated: 2024-09-18. Review status: criteria provided, single submitter. Criteria: ACMG Guidelines, 2015. Collection method: clinical testing. Allele origin: germline.

GeneDx
Classification: Benign. Last evaluated: 2019-01-28. Review status: criteria provided, single submitter. Criteria: GeneDx Variant Classification Process June 2021. Collection method: clinical testing. Allele origin: germline. Affected: yes.
Comment: This variant is associated with the following publications: (PMID: 18809214, 25262649, 20981092, 15131355, 30245029)

Athena Diagnostics
Classification: Likely benign. Last evaluated: 2018-05-25. Review status: criteria provided, single submitter. Criteria: Athena Diagnostics Criteria. Collection method: clinical testing. Allele origin: germline.

Illumina Laboratory Services, Illumina
Classification: Likely benign for Erythrokeratodermia variabilis et progressiva 1. Last evaluated: 2017-04-28. Review status: criteria provided, single submitter. Criteria: ICSL Variant Classification Criteria 13 December 2019. Collection method: clinical testing. Allele origin: germline.
Comment: This variant was observed as part of a predisposition screen in an ostensibly healthy population. A literature search was performed for the gene, cDNA change, and amino acid change (where applicable). No publications were found based on this search. Allele frequency data from public databases allowed determination this variant is unlikely to cause disease. Therefore, this variant is classified as likely benign.

Eurofins Ntd Llc (ga)
Classification: Benign. Last evaluated: 2016-05-31. Review status: criteria provided, single submitter. Criteria: EGL Classification Definitions 2015. Collection method: clinical testing. Allele origin: germline. Observed: 1 variant allele, 1 heterozygote.

Laboratory for Molecular Medicine, Mass General Brigham Personalized Medicine
Classification: Benign. Last evaluated: 2012-04-30. Review status: criteria provided, single submitter. Criteria: LMM Criteria. Collection method: clinical testing. Allele origin: germline. Observed: 3 variant alleles.
Comment: Tyr177Asp in Exon 02 of GJB3: This variant is not expected to have clinical sign ificance because it has been identified in 1.8% (67/3738) of African American ch romosomes from a broad population by the NHLBI Exome Sequencing Project (dbSNP rs80297119).

Breakthrough Genomics
Classification: Likely benign. Review status: criteria provided, single submitter. Criteria: ACMG Guidelines, 2015. Collection method: not provided. Allele origin: germline. Inheritance: Autosomal dominant inheritance. Affected: yes.

Literature cited by the submitters: PubMed 25262649 (cited by Athena Diagnostics); PubMed 15131355 (cited by Athena Diagnostics); PubMed 17567887 (cited by Athena Diagnostics).